The following is an entry in ClinVar:

ClinVar aggregate classification (germline): Uncertain significance (1 of 4 stars; one submission).

Submission:

GeneDx
Classification: Uncertain significance. Last evaluated: 2019-08-19. Review status: criteria provided, single submitter. Criteria: GeneDx Variant Classification Process June 2021. Collection method: clinical testing. Allele origin: germline. Affected: yes.
Comment: Not observed in large population cohorts (Lek et al., 2016); In silico analysis, which includes protein predictors and evolutionary conservation, supports a deleterious effect; Has not been previously published as pathogenic or benign to our knowledge

NM_000143.4(FH):c.1224C>G (p.Phe408Leu)

Gene: FH (fumarate hydratase; minus strand). Cytogenetic location: 1q43.
Variant type: single nucleotide variant.
Coding change: c.1224C>G on transcript NM_000143.4 (MANE Select); coding-DNA position 1224, C replaced by G.
Protein change: p.Phe408Leu; replaces phenylalanine 408 with leucine.
Molecular consequence: missense variant.
Genome position (GRCh38, 1-based): chr1:241,502,455, G>C on the plus strand (C>G on the coding strand, the complement: FH is on the minus strand). VCF-style: chr1-241502455-G-C. GRCh37 (hg19) VCF-style: chr1-241665755-G-C.
Other names: short protein forms F408L.
Identifiers: ClinVar variation 1308117 (VCV001308117.2), dbSNP rs759548413, ClinGen allele CA345437260.